The following is an entry in ClinVar:

NM_001370658.1(BTD):c.1014T>C (p.His338=)

Gene: BTD (biotinidase; plus strand). Cytogenetic location: 3p25.1.
Variant type: single nucleotide variant.
Coding change: c.1014T>C on transcript NM_001370658.1 (MANE Select); coding-DNA position 1014, T replaced by C.
Protein change: p.His338=; no amino-acid change (histidine 338 retained).
Molecular consequence: synonymous variant. On other transcripts: intron variant (6).
Genome position (GRCh38, 1-based): chr3:15,644,930, T>C. VCF-style: chr3-15644930-T-C. GRCh37 (hg19) VCF-style: chr3-15686437-T-C.
Other names: c.1074T>C, p.His358= (NM_000060.4); c.1014T>C, p.His338= (NM_001370752.1, NM_001407364.1, NM_001407365.1 and 18 more transcripts); c.399+2873T>C (NM_001370753.1, NM_001407400.1, NM_001407380.1 and 3 more transcripts).
Identifiers: ClinVar variation 702558 (VCV000702558.23), dbSNP rs371365798, ClinGen allele CA2277417.

ClinVar aggregate classification (germline): Likely benign. Review status: criteria provided, multiple submitters, no conflicts (2 of 4 stars). 5 submissions from 5 submitters: Likely benign (4). 1 of the submissions does not count toward it. Last evaluated 2026-04-27.

Conditions:
Biotinidase deficiency. Also called: BTD deficiency; Late-onset biotin-responsive multiple carboxylase deficiency; Biotin deficiency. Identifiers: Orphanet 79241, MedGen C0220754, MONDO:0009665, OMIM 253260.
BTD-related disorder. Also called: BTD-related condition.

Allele frequency attached by ClinVar (database versions not stated): gnomAD exomes 0.00001 and 0.00006; gnomAD 0.00004; ExAC 0.00005; TOPMed 0.00005.
gnomAD v4.1: 60 of 1,613,910 alleles (0.0037%); highest among the groups gnomAD compares: East Asian, 0.027%; 1 homozygote.

Submissions (5):

PreventionGenetics, part of Exact Sciences
Classification: Likely benign for BTD-related condition. Last evaluated: 2026-04-27. Review status: criteria provided, single submitter. Criteria: ACMG Guidelines, 2015. Collection method: clinical testing. Allele origin: germline.
Comment: This variant is classified as likely benign based on ACMG/AMP sequence variant interpretation guidelines (Richards et al. 2015 PMID: 25741868, with internal and published modifications).

Labcorp Genetics (formerly Invitae), Labcorp
Classification: Likely benign for Biotinidase deficiency. Last evaluated: 2026-01-19. Review status: criteria provided, single submitter. Criteria: Invitae Variant Classification Sherloc (09022015). Collection method: clinical testing. Allele origin: germline.

CeGaT Center for Human Genetics Tuebingen
Classification: Likely benign. Last evaluated: 2025-10-01. Review status: criteria provided, single submitter. Criteria: CeGaT Center For Human Genetics Tuebingen Variant Classification Criteria Version 2. Collection method: clinical testing. Allele origin: germline. Affected: yes. Observed: 1 variant allele.
Comment: BTD: BP4, BP7

Blueprint Genetics
Classification: Likely benign. Last evaluated: 2024-05-30. Review status: criteria provided, single submitter. Criteria: ACMG Guidelines, 2015. Collection method: clinical testing. Allele origin: germline.

Natera, Inc.
Classification: Likely benign for Biotinidase deficiency. Last evaluated: 2020-04-24. Review status: no assertion criteria provided. Collection method: clinical testing. Allele origin: germline. Not counted in ClinVar's aggregate classification.